The following is an entry in ClinVar:

ClinVar aggregate classification (germline): Uncertain significance (1 of 4 stars; one submission).

Allele frequency attached by ClinVar (database versions not stated): gnomAD exomes below 0.00001.

Submission:

Labcorp Genetics (formerly Invitae), Labcorp
Classification: Uncertain significance. Last evaluated: 2022-05-30. Review status: criteria provided, single submitter. Criteria: Invitae Variant Classification Sherloc (09022015). Collection method: clinical testing. Allele origin: germline.
Comment: This sequence change replaces glutamic acid, which is acidic and polar, with lysine, which is basic and polar, at codon 1862 of the CACNA1F protein (p.Glu1862Lys). This variant is not present in population databases (gnomAD no frequency). This variant has not been reported in the literature in individuals affected with CACNA1F-related conditions. Algorithms developed to predict the effect of missense changes on protein structure and function output the following: SIFT: "Tolerated"; PolyPhen-2: "Benign"; Align-GVGD: "Class C0". The lysine amino acid residue is found in multiple mammalian species, which suggests that this missense change does not adversely affect protein function. In summary, the available evidence is currently insufficient to determine the role of this variant in disease. Therefore, it has been classified as a Variant of Uncertain Significance.

NM_001256789.3(CACNA1F):c.5551G>A (p.Glu1851Lys)

Gene: CACNA1F (calcium voltage-gated channel subunit alpha1 F; minus strand). Cytogenetic location: Xp11.23.
Variant type: single nucleotide variant.
Coding change: c.5551G>A on transcript NM_001256789.3 (MANE Select); coding-DNA position 5551, G replaced by A.
Protein change: p.Glu1851Lys; replaces glutamic acid 1851 with lysine.
Molecular consequence: missense variant.
Genome position (GRCh38, 1-based): chrX:49,205,735, C>T on the plus strand (G>A on the coding strand, the complement: CACNA1F is on the minus strand). VCF-style: chrX-49205735-C-T. GRCh37 (hg19) VCF-style: chrX-49062195-C-T.
Other names: c.5389G>A, p.Glu1797Lys (NM_001256790.3); c.5584G>A, p.Glu1862Lys (NM_005183.4); short protein forms E1797K, E1862K, E1851K.
Identifiers: ClinVar variation 1996759 (VCV001996759.4), dbSNP rs2520673165, ClinGen allele CA412957226.